The following is an entry in ClinVar:

ClinVar aggregate classification (germline): Uncertain significance (1 of 4 stars; one submission).

Conditions:
Cardiovascular phenotype. Identifiers: MedGen CN230736.

Submission:

Ambry Genetics
Classification: Uncertain significance for Cardiovascular phenotype. Last evaluated: 2022-04-23. Review status: criteria provided, single submitter. Criteria: Ambry Variant Classification Scheme 2023. Collection method: clinical testing. Allele origin: germline.
Comment: The p.I379T variant (also known as c.1136T>C), located in coding exon 8 of the BRAF gene, results from a T to C substitution at nucleotide position 1136. The isoleucine at codon 379 is replaced by threonine, an amino acid with similar properties. This amino acid position is conserved. In addition, this alteration is predicted to be deleterious by in silico analysis. Since supporting evidence is limited at this time, the clinical significance of this alteration remains unclear.

NM_004333.6(BRAF):c.1136T>C (p.Ile379Thr)

Genes: BRAF (B-Raf proto-oncogene, serine/threonine kinase; minus strand), LOC126860202 (BRD4-independent group 4 enhancer GRCh37_chr7:140493623-140494822; plus strand). Cytogenetic location: 7q34.
Variant type: single nucleotide variant.
Coding change: c.1136T>C on transcript NM_004333.6 (MANE Select); coding-DNA position 1136, T replaced by C.
Protein change: p.Ile379Thr; replaces isoleucine 379 with threonine.
Molecular consequence: missense variant.
Genome position (GRCh38, 1-based): chr7:140,794,312, A>G on the plus strand (T>C on the coding strand, the complement: BRAF is on the minus strand). VCF-style: chr7-140794312-A-G. GRCh37 (hg19) VCF-style: chr7-140494112-A-G.
Other names: c.1136T>C, p.Ile379Thr (NM_001354609.2, NM_001374244.1, NM_001374258.1 and 4 more transcripts); c.1145T>C, p.Ile382Thr (NM_001378467.1); c.1034T>C, p.Ile345Thr (NM_001378470.1); c.980T>C, p.Ile327Thr (NM_001378472.1, NM_001378473.1); c.872T>C, p.Ile291Thr (NM_001378475.1); short protein forms I327T, I379T, I291T, I345T, I382T.
Identifiers: ClinVar variation 1729849 (VCV001729849.2), dbSNP rs2536267680, ClinGen allele CA369589686.